The following is an entry in ClinVar:

ClinVar aggregate classification (germline): Uncertain significance (1 of 4 stars; one submission).

Conditions:
Hereditary cancer-predisposing syndrome. Also called: Neoplastic Syndromes, Hereditary; Hereditary Cancer Syndrome; Hereditary neoplastic syndrome; Tumor predisposition. Identifiers: Orphanet 140162, MedGen C0027672, MeSH D009386, MONDO:0015356.

Submission:

Ambry Genetics
Classification: Uncertain significance for Hereditary cancer-predisposing syndrome. Last evaluated: 2023-03-29. Review status: criteria provided, single submitter. Criteria: Ambry Variant Classification Scheme 2023. Collection method: clinical testing. Allele origin: germline.
Comment: The p.M532I variant (also known as c.1596G>T), located in coding exon 11 of the MSH3 gene, results from a G to T substitution at nucleotide position 1596. The methionine at codon 532 is replaced by isoleucine, an amino acid with highly similar properties. This amino acid position is conserved. In addition, this alteration is predicted to be tolerated by in silico analysis. Since supporting evidence is limited at this time, the clinical significance of this alteration remains unclear.

NM_002439.5(MSH3):c.1596G>T (p.Met532Ile)

Gene: MSH3 (mutS homolog 3; plus strand). Cytogenetic location: 5q14.1.
Variant type: single nucleotide variant.
Coding change: c.1596G>T on transcript NM_002439.5 (MANE Select); coding-DNA position 1596, G replaced by T.
Protein change: p.Met532Ile; replaces methionine 532 with isoleucine.
Molecular consequence: missense variant.
Genome position (GRCh38, 1-based): chr5:80,741,491, G>T. VCF-style: chr5-80741491-G-T. GRCh37 (hg19) VCF-style: chr5-80037310-G-T.
Other names: short protein forms M532I.
Identifiers: ClinVar variation 2565643 (VCV002565643.2), dbSNP rs1337425751, ClinGen allele CA360274474.